The following is an entry in ClinVar:

NM_017514.5(PLXNA3):c.1876G>A (p.Val626Met)

Gene: PLXNA3 (plexin A3; plus strand). Cytogenetic location: Xq28.
Variant type: single nucleotide variant.
Coding change: c.1876G>A on transcript NM_017514.5 (MANE Select); coding-DNA position 1876, G replaced by A.
Protein change: p.Val626Met; replaces valine 626 with methionine.
Molecular consequence: missense variant.
Genome position (GRCh38, 1-based): chrX:154,464,449, G>A. VCF-style: chrX-154464449-G-A. GRCh37 (hg19) VCF-style: chrX-153692792-G-A.
Other names: short protein forms V626M.
Identifiers: ClinVar variation 4990440 (VCV004990440.1).
Genomic context (GRCh38, chrX:154,464,449, plus strand): 5'-GGGACTGCTGCAGGGGCCACCCGCACTGTGCGGCTGCAGCTTCTCTCCAAGGAGACAGGC[G>A]TGAGGTTTGCCGGTGCTGACTTTGTCTTCTACAACTGCAGCGTCCTCCAGTCGTGAGTAC-3'
Protein context (NP_059984.3, residues 616-636): RLQLLSKETG[Val626Met]RFAGADFVFY

ClinVar aggregate classification (germline): Uncertain significance (1 of 4 stars; one submission).

Conditions:
PLXNA3-related disorder. Also called: PLXNA3-related condition.

gnomAD v4.1: 51 of 1,210,063 alleles (0.0042%); highest among the groups gnomAD compares: Non-Finnish European, 0.0048%; no homozygotes.

Submission:

PreventionGenetics, part of Exact Sciences
Classification: Uncertain significance for PLXNA3-related condition. Last evaluated: 2026-09-04. Review status: criteria provided, single submitter. Criteria: ACMG Guidelines, 2015. Collection method: clinical testing. Allele origin: germline.
Comment: The PLXNA3 c.1876G>A variant is predicted to result in the amino acid substitution p.Val626Met. To our knowledge, this variant has not been reported in the literature. This variant is reported in 0.0044% of alleles in individuals of European (Non-Finnish) descent in gnomAD, including one hemizygote. At this time, the clinical significance of this variant is uncertain due to the absence of conclusive functional and genetic evidence.